The following is an entry in ClinVar:

ClinVar aggregate classification (germline): Uncertain significance (1 of 4 stars; one submission).

Allele frequency attached by ClinVar (database versions not stated): TOPMed 0.00001.

Submission:

Labcorp Genetics (formerly Invitae), Labcorp
Classification: Uncertain significance. Last evaluated: 2024-07-17. Review status: criteria provided, single submitter. Criteria: Invitae Variant Classification Sherloc (09022015). Collection method: clinical testing. Allele origin: germline.
Comment: This sequence change replaces valine, which is neutral and non-polar, with methionine, which is neutral and non-polar, at codon 352 of the FOXI3 protein (p.Val352Met). This variant is present in population databases (no rsID available, gnomAD 0.008%). This variant has not been reported in the literature in individuals affected with FOXI3-related conditions. ClinVar contains an entry for this variant (Variation ID: 1927772). Experimental studies and prediction algorithms are not available or were not evaluated, and the functional significance of this variant is currently unknown. In summary, the available evidence is currently insufficient to determine the role of this variant in disease. Therefore, it has been classified as a Variant of Uncertain Significance.

NM_001135649.3(FOXI3):c.1054G>A (p.Val352Met)

Gene: FOXI3 (forkhead box I3; minus strand). Cytogenetic location: 2p11.2.
Variant type: single nucleotide variant.
Coding change: c.1054G>A on transcript NM_001135649.3 (MANE Select); coding-DNA position 1054, G replaced by A.
Protein change: p.Val352Met; replaces valine 352 with methionine.
Molecular consequence: missense variant.
Genome position (GRCh38, 1-based): chr2:88,448,416, C>T on the plus strand (G>A on the coding strand, the complement: FOXI3 is on the minus strand). VCF-style: chr2-88448416-C-T. GRCh37 (hg19) VCF-style: chr2-88747935-C-T.
Other names: short protein forms V352M.
Identifiers: ClinVar variation 1927772 (VCV001927772.5), dbSNP rs905240619, ClinGen allele CA51943834.
Genomic context (GRCh38, chr2:88,448,416, plus strand): 5'-TGCTATTGCTCAGTTGCAAGGTGTCTGCTGAGGCCTCTGAGATGGAGGTCGGGGAGAACA[C>T]GCCGCTGGAGGGCAGCTGGGCCCCCTGGATCCCTAGGTGGCGGCTGCCAGGGAGAGCCCG-3'
Protein context (NP_001129121.1, residues 342-362): IQGAQLPSSG[Val352Met]FSPTSISEAS